The following is an entry in ClinVar:

ClinVar aggregate classification (germline): Pathogenic/Likely pathogenic. Review status: criteria provided, multiple submitters, no conflicts (2 of 4 stars). 3 submissions from 3 submitters: Pathogenic (1); Likely pathogenic (2). Last evaluated 2025-01-23.

Conditions:
Oculocutaneous albinism type 3 (OCA3). Also called: RUFOUS OCULOCUTANEOUS ALBINISM; XANTHISM; ALBINISM III; Albinism, oculocutaneous, type III; Rufous OCA; Rufous albinism. Identifiers: Orphanet 79433, MedGen C0342683, MONDO:0008747, OMIM 203290.
MELANESIAN BLOND HAIR (SHEP11). Also called: SKIN/HAIR/EYE PIGMENTATION 11, BLUE/NONBLUE EYES; Skin/hair/eye pigmentation, variation in, 11. Identifiers: MedGen C2677086, OMIM 612271.
TYRP1-related disorder. Also called: TYRP1-related condition.

Submissions (3):

Labcorp Genetics (formerly Invitae), Labcorp
Classification: Pathogenic. Last evaluated: 2025-01-23. Review status: criteria provided, single submitter. Criteria: Invitae Variant Classification Sherloc (09022015). Collection method: clinical testing. Allele origin: germline.
Comment: This variant, c.782_793del, results in the deletion of 4 amino acid(s) of the TYRP1 protein (p.Cys261_Asp264del), but otherwise preserves the integrity of the reading frame. This variant is present in population databases (rs760181936, gnomAD 0.09%). This variant has been observed in individual(s) with oculocutaneous albinism (PMID: 18821858, 21739261, 29345414). In at least one individual the data is consistent with being in trans (on the opposite chromosome) from a pathogenic variant. This variant is also known as c.780-791del . ClinVar contains an entry for this variant (Variation ID: 2735262). Algorithms developed to predict the effect of sequence changes on RNA splicing suggest that this variant may disrupt the consensus splice site. For these reasons, this variant has been classified as Pathogenic.

Fulgent Genetics
Classification: Likely pathogenic for Oculocutaneous albinism type 3; MELANESIAN BLOND HAIR. Last evaluated: 2024-06-18. Review status: criteria provided, single submitter. Criteria: ACMG Guidelines, 2015. Collection method: clinical testing. Allele origin: germline.

Blueprint Genetics
Classification: Likely pathogenic for TYRP1-related disorders. Last evaluated: 2022-06-24. Review status: criteria provided, single submitter. Criteria: ACMG Guidelines, 2015. Collection method: clinical testing. Allele origin: germline. Affected: yes. Observed: 2 variant alleles.

Literature cited by the submitters: PubMed 18821858 (cited by Labcorp Genetics (formerly Invitae), Labcorp); PubMed 21739261 (cited by Labcorp Genetics (formerly Invitae), Labcorp); PubMed 29345414 (cited by Labcorp Genetics (formerly Invitae), Labcorp).

NM_000550.3(TYRP1):c.782_793del (p.Cys261_Asp264del)

Gene: TYRP1 (tyrosinase related protein 1; plus strand). Cytogenetic location: 9p23.
Variant type: Deletion.
Coding change: c.782_793del on transcript NM_000550.3 (MANE Select); coding-DNA positions 782 to 793, 12 bases deleted (GCACGGATGACT).
Protein change: p.Cys261_Asp264del.
Molecular consequence: inframe deletion.
Genome position (GRCh38, 1-based): chr9:12,698,524-12,698,535, GCACGGATGACT deleted; deleting any 12 consecutive bases within chr9:12,698,522-12,698,535 gives the same sequence; the c. name uses the placement nearest the transcript's 3' end. VCF-style (leftmost placement, unchanged base first): chr9-12698521-TCTGCACGGATGA-T. GRCh37 (hg19) VCF-style: chr9-12698521-TCTGCACGGATGA-T.
Identifiers: ClinVar variation 2735262 (VCV002735262.5), dbSNP rs760181936, ClinGen allele CA4985324.